The following is an entry in ClinVar:

NM_003482.4(KMT2D):c.1304A>G (p.Asn435Ser)

Gene: KMT2D (lysine methyltransferase 2D; minus strand). Cytogenetic location: 12q13.12.
Variant type: single nucleotide variant.
Coding change: c.1304A>G on transcript NM_003482.4 (MANE Select); coding-DNA position 1304, A replaced by G.
Protein change: p.Asn435Ser; replaces asparagine 435 with serine.
Molecular consequence: missense variant.
Genome position (GRCh38, 1-based): chr12:49,052,379, T>C on the plus strand (A>G on the coding strand, the complement: KMT2D is on the minus strand). VCF-style: chr12-49052379-T-C. GRCh37 (hg19) VCF-style: chr12-49446162-T-C.
Other names: short protein forms N435S.
Identifiers: ClinVar variation 5019393 (VCV005019393.2).

ClinVar aggregate classification (germline): Uncertain significance (1 of 4 stars; one submission).

Conditions:
Choanal atresia-athelia-hypothyroidism-delayed puberty-short stature syndrome (BCAHH). Also called: BRANCHIAL ARCH ABNORMALITIES, CHOANAL ATRESIA, ATHELIA, HEARING LOSS, AND HYPOTHYROIDISM SYNDROME. Identifiers: Orphanet 589856, MedGen C5680310, MONDO:0035651, OMIM 620186.
Kabuki syndrome 1 (KABUK1). Also called: KMT2D-Related Kabuki Syndrome. Identifiers: Orphanet 2322, MedGen CN030661, MONDO:0007843, OMIM 147920.

Submission:

Juno Genomics, Hangzhou Juno Genomics, Inc
Classification: Uncertain significance for Choanal atresia-athelia-hypothyroidism-delayed puberty-short stature syndrome; Kabuki syndrome 1. Review status: criteria provided, single submitter. Criteria: ACMG Guidelines, 2015. Collection method: clinical testing. Allele origin: germline.
Comment: Absent from controls (or at extremely low frequency if recessive) in Genome Aggregation Database.;Missense variant in a gene that has a low rate of benign missense variation.;Multiple lines of computational evidence suggest no impact on gene or gene product.